The following is an entry in ClinVar:

NM_005297.4(MCHR1):c.100G>A (p.Gly34Arg)

Gene: MCHR1 (melanin concentrating hormone receptor 1; plus strand). Cytogenetic location: 22q13.2.
Variant type: single nucleotide variant.
Coding change: c.100G>A on transcript NM_005297.4 (MANE Select); coding-DNA position 100, G replaced by A.
Protein change: p.Gly34Arg; replaces glycine 34 with arginine.
Molecular consequence: missense variant.
Genome position (GRCh38, 1-based): chr22:40,680,966, G>A. VCF-style: chr22-40680966-G-A. GRCh37 (hg19) VCF-style: chr22-41076970-G-A.
Other names: c.307G>A (NM_005297.3); short protein forms G34R.
Identifiers: ClinVar variation 1284474 (VCV001284474.5), dbSNP rs11914085, ClinGen allele CA10250183.

ClinVar aggregate classification (germline): Benign. Review status: criteria provided, single submitter (1 of 4 stars). 4 submissions from 4 submitters: Benign (1). 3 of the submissions do not count toward it.

Conditions:
MCHR1-related disorder. Also called: MCHR1-related condition.

Allele frequency attached by ClinVar (database versions not stated): gnomAD exomes 0.00348 and 0.00882; ExAC 0.01127; gnomAD 0.03430 and 0.03721; TOPMed 0.03863; 1000 Genomes Project 0.03894; ESP Exome Variant Server 0.04113; 1000 Genomes Project 30x 0.04122.

Submissions (4):

Breakthrough Genomics
Classification: Benign. Review status: criteria provided, single submitter. Criteria: ACMG Guidelines, 2015. Collection method: not provided. Allele origin: germline. Inheritance: Unknown mechanism. Affected: yes.

PreventionGenetics, part of Exact Sciences
Classification: Benign for MCHR1-related condition. Last evaluated: 2022-12-29. Review status: no assertion criteria provided. Collection method: clinical testing. Allele origin: germline. Not counted in ClinVar's aggregate classification.
Comment: This variant is classified as benign based on ACMG/AMP sequence variant interpretation guidelines (Richards et al. 2015 PMID: 25741868, with internal and published modifications).

Clinical Genetics, Academic Medical Center
Classification: Likely benign. Review status: no assertion criteria provided. Collection method: clinical testing. Allele origin: germline. Affected: yes. Study: VKGL Data-share Consensus. Not counted in ClinVar's aggregate classification.

Genome Diagnostics Laboratory, University Medical Center Utrecht
Classification: Benign. Review status: no assertion criteria provided. Collection method: clinical testing. Allele origin: germline. Affected: yes. Study: VKGL Data-share Consensus. Not counted in ClinVar's aggregate classification.